The following is an entry in ClinVar:

ClinVar aggregate classification (germline): Uncertain significance. Review status: criteria provided, multiple submitters, no conflicts (2 of 4 stars). 2 submissions from 2 submitters: Uncertain significance (2). Last evaluated 2025-02-13.

Conditions:
Inborn genetic diseases. Identifiers: MedGen C0950123, MeSH D030342.

gnomAD v4.1: 13 of 1,613,654 alleles (0.00081%); highest among the groups gnomAD compares: Non-Finnish European, 0.0011%; no homozygotes.

Submissions (2):

Ambry Genetics
Classification: Uncertain significance for Inborn genetic diseases. Last evaluated: 2025-02-13. Review status: criteria provided, single submitter. Criteria: Ambry Variant Classification Scheme 2023. Collection method: clinical testing. Allele origin: germline.

Labcorp Genetics (formerly Invitae), Labcorp
Classification: Uncertain significance. Last evaluated: 2024-10-27. Review status: criteria provided, single submitter. Criteria: Invitae Variant Classification Sherloc (09022015). Collection method: clinical testing. Allele origin: germline.
Comment: This sequence change replaces proline, which is neutral and non-polar, with serine, which is neutral and polar, at codon 1306 of the SPEG protein (p.Pro1306Ser). This variant is present in population databases (no rsID available, gnomAD 0.0009%). This variant has not been reported in the literature in individuals affected with SPEG-related conditions. An algorithm developed to predict the effect of missense changes on protein structure and function (PolyPhen-2) suggests that this variant is likely to be disruptive. In summary, the available evidence is currently insufficient to determine the role of this variant in disease. Therefore, it has been classified as a Variant of Uncertain Significance.

NM_005876.5(SPEG):c.3916C>T (p.Pro1306Ser)

Gene: SPEG (striated muscle enriched protein kinase; plus strand). Cytogenetic location: 2q35.
Variant type: single nucleotide variant.
Coding change: c.3916C>T on transcript NM_005876.5 (MANE Select); coding-DNA position 3916, C replaced by T.
Protein change: p.Pro1306Ser; replaces proline 1306 with serine.
Molecular consequence: missense variant.
Genome position (GRCh38, 1-based): chr2:219,472,307, C>T. VCF-style: chr2-219472307-C-T. GRCh37 (hg19) VCF-style: chr2-220337029-C-T.
Other names: c.3916C>T (NM_005876.4); short protein forms P1306S.
Identifiers: ClinVar variation 3714034 (VCV003714034.2).